The following is an entry in ClinVar:

NM_032043.3(BRIP1):c.3544G>A (p.Ala1182Thr)

Gene: BRIP1 (BRCA1 interacting DNA helicase 1; minus strand). Cytogenetic location: 17q23.2.
Variant type: single nucleotide variant.
Coding change: c.3544G>A on transcript NM_032043.3 (MANE Select); coding-DNA position 3544, G replaced by A.
Protein change: p.Ala1182Thr; replaces alanine 1182 with threonine.
Molecular consequence: missense variant.
Genome position (GRCh38, 1-based): chr17:61,683,502, C>T on the plus strand (G>A on the coding strand, the complement: BRIP1 is on the minus strand). VCF-style: chr17-61683502-C-T. GRCh37 (hg19) VCF-style: chr17-59760863-C-T.
Other names: short protein forms A1182T.
Identifiers: ClinVar variation 461156 (VCV000461156.18), dbSNP rs1555572535, ClinGen allele CA400478333.

ClinVar aggregate classification (germline): Uncertain significance. Review status: criteria provided, multiple submitters, no conflicts (2 of 4 stars). 3 submissions from 3 submitters: Uncertain significance (3). Last evaluated 2025-12-01.

Conditions:
Hereditary cancer-predisposing syndrome. Also called: Hereditary neoplastic syndrome; Neoplastic Syndromes, Hereditary; Tumor predisposition; Hereditary Cancer Syndrome. Identifiers: Orphanet 140162, MedGen C0027672, MeSH D009386, MONDO:0015356.
Fanconi anemia complementation group J. Also called: BRIP1-Related Fanconi Anemia. Identifiers: Orphanet 84, MedGen C1836860, MONDO:0012187, OMIM 609054.
Familial cancer of breast. Also called: BREAST CANCER, FAMILIAL; hereditary breast carcinoma; Hereditary breast cancer. Identifiers: Orphanet 227535, MedGen C0346153, MONDO:0016419, OMIM 114480. Disease mechanism: loss of function.

Submissions (3):

Labcorp Genetics (formerly Invitae), Labcorp
Classification: Uncertain significance for Familial cancer of breast; Fanconi anemia complementation group J. Last evaluated: 2025-12-01. Review status: criteria provided, single submitter. Criteria: Invitae Variant Classification Sherloc (09022015). Collection method: clinical testing. Allele origin: germline.
Comment: This sequence change replaces alanine, which is neutral and non-polar, with threonine, which is neutral and polar, at codon 1182 of the BRIP1 protein (p.Ala1182Thr). This variant is not present in population databases (gnomAD no frequency). This variant has not been reported in the literature in individuals affected with BRIP1-related conditions. ClinVar contains an entry for this variant (Variation ID: 461156). Invitae Evidence Modeling of protein sequence and biophysical properties (such as structural, functional, and spatial information, amino acid conservation, physicochemical variation, residue mobility, and thermodynamic stability) indicates that this missense variant is not expected to disrupt BRIP1 protein function with a negative predictive value of 95%. In summary, the available evidence is currently insufficient to determine the role of this variant in disease. Therefore, it has been classified as a Variant of Uncertain Significance.

Ambry Genetics
Classification: Uncertain significance for Hereditary cancer-predisposing syndrome. Last evaluated: 2025-05-10. Review status: criteria provided, single submitter. Criteria: Ambry Variant Classification Scheme 2023. Collection method: clinical testing. Allele origin: germline.
Comment: The p.A1182T variant (also known as c.3544G>A), located in coding exon 19 of the BRIP1 gene, results from a G to A substitution at nucleotide position 3544. The alanine at codon 1182 is replaced by threonine, an amino acid with similar properties. This amino acid position is poorly conserved in available vertebrate species. In addition, this alteration is predicted to be tolerated by in silico analysis. Since supporting evidence is limited at this time, the clinical significance of this alteration remains unclear.

Color Diagnostics, LLC DBA Color Health
Classification: Uncertain significance for Hereditary cancer-predisposing syndrome. Last evaluated: 2024-03-06. Review status: criteria provided, single submitter. Criteria: ACMG Guidelines, 2015. Collection method: clinical testing. Allele origin: germline.
Comment: This missense variant replaces alanine with threonine at codon 1182 of the BRIP1 protein. Computational prediction suggests that this variant may not impact protein structure and function (internally defined REVEL score threshold <= 0.5, PMID: 27666373). To our knowledge, functional studies have not been reported for this variant. This variant has not been reported in individuals affected with hereditary cancer in the literature. This variant has not been identified in the general population by the Genome Aggregation Database (gnomAD). The available evidence is insufficient to determine the role of this variant in disease conclusively. Therefore, this variant is classified as a Variant of Uncertain Significance.